The following is an entry in ClinVar:

NM_001378454.1(ALMS1):c.2297A>G (p.Gln766Arg)

Gene: ALMS1 (ALMS1 centrosome and basal body associated protein; plus strand). Cytogenetic location: 2p13.1.
Variant type: single nucleotide variant.
Coding change: c.2297A>G on transcript NM_001378454.1 (MANE Select); coding-DNA position 2297, A replaced by G.
Protein change: p.Gln766Arg; replaces glutamine 766 with arginine.
Molecular consequence: missense variant.
Genome position (GRCh38, 1-based): chr2:73,448,824, A>G. VCF-style: chr2-73448824-A-G. GRCh37 (hg19) VCF-style: chr2-73675951-A-G.
Other names: c.2300A>G, p.Gln767Arg (NM_015120.4); short protein forms Q767R, Q766R.
Identifiers: ClinVar variation 2626202 (VCV002626202.2), dbSNP rs1261459225, ClinGen allele CA347267596.

ClinVar aggregate classification (germline): Uncertain significance (1 of 4 stars; one submission).

Conditions:
Cardiovascular phenotype. Identifiers: MedGen CN230736.

Allele frequency attached by ClinVar (database versions not stated): TOPMed below 0.00001; gnomAD 0.00001.
gnomAD v4.1: 2 of 1,613,892 alleles (0.00012%); highest among the groups gnomAD compares: Admixed American, 0.0017%; no homozygotes.

Submission:

Ambry Genetics
Classification: Uncertain significance for Cardiovascular phenotype. Last evaluated: 2023-08-30. Review status: criteria provided, single submitter. Criteria: Ambry Variant Classification Scheme 2023. Collection method: clinical testing. Allele origin: germline.
Comment: The p.Q767R variant (also known as c.2300A>G), located in coding exon 8 of the ALMS1 gene, results from an A to G substitution at nucleotide position 2300. The glutamine at codon 767 is replaced by arginine, an amino acid with highly similar properties. This amino acid position is not well conserved in available vertebrate species. In addition, this alteration is predicted to be tolerated by in silico analysis. Since supporting evidence is limited at this time, the clinical significance of this alteration remains unclear.